The following is an entry in ClinVar:

ClinVar aggregate classification (germline): Benign/Likely benign. Review status: criteria provided, multiple submitters, no conflicts (2 of 4 stars). 3 submissions from 3 submitters: Benign (1); Likely benign (2). Last evaluated 2025-12-28.

Allele frequency attached by ClinVar (database versions not stated): gnomAD 0.00004 and 0.00011; TOPMed 0.00011; ExAC 0.00024; 1000 Genomes Project 30x 0.00062; 1000 Genomes Project 0.00080.
gnomAD v4.1: 247 of 1,613,908 alleles (0.015%); highest among the groups gnomAD compares: East Asian, 0.53%; 1 homozygote.

Submissions (3):

Labcorp Genetics (formerly Invitae), Labcorp
Classification: Benign. Last evaluated: 2025-12-28. Review status: criteria provided, single submitter. Criteria: Invitae Variant Classification Sherloc (09022015). Collection method: clinical testing. Allele origin: germline.

Mayo Clinic Laboratories, Mayo Clinic
Classification: Likely benign. Last evaluated: 2025-09-08. Review status: criteria provided, single submitter. Criteria: ACMG Guidelines, 2015. Collection method: clinical testing. Allele origin: germline. Observed: 1 variant allele.
Comment: BS1, BP4, BP7

Blueprint Genetics
Classification: Likely benign. Last evaluated: 2021-06-08. Review status: criteria provided, single submitter. Criteria: ACMG Guidelines, 2015. Collection method: clinical testing. Allele origin: germline.

NM_003647.3(DGKE):c.1344C>T (p.Asn448=)

Gene: DGKE (diacylglycerol kinase epsilon; plus strand). Cytogenetic location: 17q22.
Variant type: single nucleotide variant.
Coding change: c.1344C>T on transcript NM_003647.3 (MANE Select); coding-DNA position 1344, C replaced by T.
Protein change: p.Asn448=; no amino-acid change (asparagine 448 retained).
Molecular consequence: synonymous variant.
Genome position (GRCh38, 1-based): chr17:56,861,850, C>T. VCF-style: chr17-56861850-C-T. GRCh37 (hg19) VCF-style: chr17-54939211-C-T.
Other names: p.Asn448=.
Identifiers: ClinVar variation 728025 (VCV000728025.10), dbSNP rs61751971, ClinGen allele CA8663791.
Genomic context (GRCh38, chr17:56,861,850, plus strand): 5'-GCTAGAACTGGATGGTGAGCGAGTAGCACTGCCCAGCTTGGAAGGTATTATAGTTCTGAA[C>T]ATCGGATACTGGGGCGGTGGCTGCAGACTATGGGAAGGGATGGGGGACGAGACTTACCCT-3'
Protein context (NP_003638.1, residues 438-458): LPSLEGIIVL[Asn448=]IGYWGGGCRL